The following is an entry in ClinVar:

ClinVar aggregate classification (germline): Uncertain significance (1 of 4 stars; one submission).

gnomAD v4.1: 12 of 1,614,136 alleles (0.00074%); highest among the groups gnomAD compares: Middle Eastern, 0.017%; no homozygotes.

Submission:

Mayo Clinic Laboratories, Mayo Clinic
Classification: Uncertain significance. Last evaluated: 2023-10-17. Review status: criteria provided, single submitter. Criteria: ACMG Guidelines, 2015. Collection method: clinical testing. Allele origin: germline. Observed: 1 variant allele.
Comment: BP4

NM_001377137.1(GBF1):c.4414C>T (p.Arg1472Trp)

Gene: GBF1 (golgi brefeldin A resistant guanine nucleotide exchange factor 1; plus strand). Cytogenetic location: 10q24.32.
Variant type: single nucleotide variant.
Coding change: c.4414C>T on transcript NM_001377137.1 (MANE Select); coding-DNA position 4414, C replaced by T.
Protein change: p.Arg1472Trp; replaces arginine 1472 with tryptophan.
Molecular consequence: missense variant. On other transcripts: non-coding transcript variant (5).
Genome position (GRCh38, 1-based): chr10:102,377,060, C>T. VCF-style: chr10-102377060-C-T. GRCh37 (hg19) VCF-style: chr10-104136817-C-T.
Other names: p.Arg1471Trp; c.4414C>T, p.Arg1472Trp (NM_001199378.2, NM_001391923.1); c.4411C>T, p.Arg1471Trp (NM_001199379.2, NM_001377141.1, NM_001391924.1 and 3 more transcripts); c.4375C>T, p.Arg1459Trp (NM_001377138.1, NM_001391925.1); c.4117C>T, p.Arg1373Trp (NM_001377139.1, NM_001377140.1); c.4510C>T, p.Arg1504Trp (NM_001391922.1, NM_001411027.1); c.4378C>T, p.Arg1460Trp (NM_001391926.1); c.4270C>T, p.Arg1424Trp (NM_001391928.1); and 3 more; short protein forms R1345W, R1373W, R1392W, R1424W, R1459W, R1460W, R1471W, R1472W.
Identifiers: ClinVar variation 3379992 (VCV003379992.1).